The following is an entry in ClinVar:

ClinVar aggregate classification (germline): Likely pathogenic (1 of 4 stars; one submission).

Conditions:
Danon disease. Also called: PSEUDOGLYCOGENOSIS II; GSD IIb; LYSOSOMAL GLYCOGEN STORAGE DISEASE WITHOUT ACID MALTASE DEFICIENCY; Glycogen Storage Disease Type IIb; ANTOPOL DISEASE. Identifiers: Orphanet 34587, MedGen C0878677, MONDO:0010281, OMIM 300257.

Submission:

Lildballe Lab, Aarhus University Hospital
Classification: Likely pathogenic for Danon disease. Last evaluated: 2024-03-01. Review status: criteria provided, single submitter. Criteria: ACMG Guidelines, 2015. Collection method: research. Allele origin: germline. Affected: yes.
Comment: PVS1(vs), PM2(sup)

Literature cited by the submitters: PubMed 25741889; PubMed 39481677.

NM_002294.3(LAMP2):c.455del (p.Arg152fs)

Gene: LAMP2 (lysosome associated membrane protein 2; minus strand). Cytogenetic location: Xq24.
Variant type: Deletion.
Coding change: c.455del on transcript NM_002294.3 (MANE Select); coding-DNA position 455, one base deleted (G; older notation c.455delG).
Protein change: p.Arg152fs; shifts the reading frame from arginine 152.
Molecular consequence: frameshift variant.
Genome position (GRCh38, 1-based): chrX:120,449,071, C deleted on the plus strand (G on the coding strand, the reverse complement: LAMP2 is on the minus strand). VCF-style (leftmost placement, unchanged base first): chrX-120449070-TC-T. GRCh37 (hg19) VCF-style: chrX-119582925-TC-T.
Other names: c.455del, p.Arg152fs (NM_001122606.1, NM_013995.2); short protein forms R152fs.
Identifiers: ClinVar variation 3338331 (VCV003338331.1).